The following is an entry in ClinVar:

NM_000038.6(APC):c.2114G>T (p.Ser705Ile)

Gene: APC (APC regulator of Wnt signaling pathway; plus strand). Cytogenetic location: 5q22.2.
Variant type: single nucleotide variant.
Coding change: c.2114G>T on transcript NM_000038.6 (MANE Select); coding-DNA position 2114, G replaced by T.
Protein change: p.Ser705Ile; replaces serine 705 with isoleucine.
Molecular consequence: missense variant. On other transcripts: non-coding transcript variant (2).
Genome position (GRCh38, 1-based): chr5:112,837,708, G>T. VCF-style: chr5-112837708-G-T. GRCh37 (hg19) VCF-style: chr5-112173405-G-T.
Other names: c.1937G>T, p.Ser646Ile (NM_001407453.1, NM_001354901.2); c.1865G>T, p.Ser622Ile (NM_001407454.1, NM_001407455.1, NM_001407456.1 and 1 more transcripts); c.1811G>T, p.Ser604Ile (NM_001407458.1, NM_001407459.1, NM_001407460.1 and 1 more transcripts); c.1727G>T, p.Ser576Ile (NM_001407467.1, NM_001407469.1); c.1265G>T, p.Ser422Ile (NM_001407470.1, NM_001354906.2); c.962G>T, p.Ser321Ile (NM_001407471.1, NM_001407472.1); c.1634G>T, p.Ser545Ile (NM_001354905.2); c.2198G>T, p.Ser733Ile (NM_001407446.1); and 11 more; short protein forms S579I, S622I, S677I, S687I, S695I, S733I, S680I, S321I.
Identifiers: ClinVar variation 4825064 (VCV004825064.1).

ClinVar aggregate classification (germline): Uncertain significance (1 of 4 stars; one submission).

Conditions:
Hereditary cancer-predisposing syndrome. Also called: Neoplastic Syndromes, Hereditary; Tumor predisposition; Hereditary Cancer Syndrome; Hereditary neoplastic syndrome. Identifiers: Orphanet 140162, MedGen C0027672, MeSH D009386, MONDO:0015356.

Submission:

Ambry Genetics
Classification: Uncertain significance for Hereditary cancer-predisposing syndrome. Last evaluated: 2026-02-20. Review status: criteria provided, single submitter. Criteria: Ambry Variant Classification Scheme 2023. Collection method: clinical testing. Allele origin: germline.
Comment: The p.S705I variant (also known as c.2114G>T), located in coding exon 15 of the APC gene, results from a G to T substitution at nucleotide position 2114. The serine at codon 705 is replaced by isoleucine, an amino acid with dissimilar properties. This amino acid position is conserved. In addition, in silico predictors for this gene do not accurately predict pathogenicity. Based on the available evidence, the clinical significance of this variant remains unclear.